The following is an entry in ClinVar:

ClinVar aggregate classification (germline): Uncertain significance (1 of 4 stars; one submission).

Conditions:
Combined osteogenesis imperfecta and Ehlers-Danlos syndrome 2. Also called: OIEDS SYNDROME 2. Identifiers: MedGen C5436847, MONDO:0030855, OMIM 619120.

Submission:

Foundation for Research in Genetics and Endocrinology, FRIGE's Institute of Human Genetics
Classification: Uncertain significance for Combined osteogenesis imperfecta and Ehlers-Danlos syndrome 2. Last evaluated: 2022-02-04. Review status: criteria provided, single submitter. Criteria: ACMG Guidelines, 2015. Collection method: clinical testing. Allele origin: germline. Inheritance: Autosomal dominant inheritance. Affected: yes. Observed: 1 heterozygote.
Comment: A heterozygous missense variation in exon 21 of the COL1A2 gene that results in the amino acid substitution of Valine for Glycine at codon 382. The p.Gly382Val variant has not been reported in the 1000 genomes, gnomAD. The in silico predictions of the variant are probably damaging by PolyPhen-2 (HumDiv) and damaging by SIFT, LRT and MutationTaster2. The reference codon is conserved across species. In summary, the variant is classed as a variant of uncertain significance based on the aforementioned evidence.

NM_000089.4(COL1A2):c.1145G>T (p.Gly382Val)

Gene: COL1A2 (collagen type I alpha 2 chain; plus strand). Cytogenetic location: 7q21.3.
Variant type: single nucleotide variant.
Coding change: c.1145G>T on transcript NM_000089.4 (MANE Select); coding-DNA position 1145, G replaced by T.
Protein change: p.Gly382Val; replaces glycine 382 with valine.
Molecular consequence: missense variant.
Genome position (GRCh38, 1-based): chr7:94,410,475, G>T. VCF-style: chr7-94410475-G-T. GRCh37 (hg19) VCF-style: chr7-94039787-G-T.
Other names: p.Gly382Val; short protein forms G382V.
Identifiers: ClinVar variation 1705261 (VCV001705261.2), dbSNP rs2484709471, ClinGen allele CA368221247.